The following is an entry in ClinVar:

NM_004044.7(ATIC):c.1410T>A (p.His470Gln)

Gene: ATIC (5-aminoimidazole-4-carboxamide ribonucleotide formyltransferase/IMP cyclohydrolase; plus strand). Cytogenetic location: 2q35.
Variant type: single nucleotide variant.
Coding change: c.1410T>A on transcript NM_004044.7 (MANE Select); coding-DNA position 1410, T replaced by A.
Protein change: p.His470Gln; replaces histidine 470 with glutamine.
Molecular consequence: missense variant.
Genome position (GRCh38, 1-based): chr2:215,346,848, T>A. VCF-style: chr2-215346848-T-A. GRCh37 (hg19) VCF-style: chr2-216211571-T-A.
Other names: short protein forms H470Q.
Identifiers: ClinVar variation 3714000 (VCV003714000.2).

ClinVar aggregate classification (germline): Uncertain significance (1 of 4 stars; one submission).

gnomAD v4.1: 83 of 1,614,174 alleles (0.0051%); highest among the groups gnomAD compares: East Asian, 0.076%; no homozygotes.

Submission:

Labcorp Genetics (formerly Invitae), Labcorp
Classification: Uncertain significance. Last evaluated: 2024-05-04. Review status: criteria provided, single submitter. Criteria: Invitae Variant Classification Sherloc (09022015). Collection method: clinical testing. Allele origin: germline.
Comment: This sequence change replaces histidine, which is basic and polar, with glutamine, which is neutral and polar, at codon 470 of the ATIC protein (p.His470Gln). This variant is present in population databases (rs147725232, gnomAD 0.1%). This variant has not been reported in the literature in individuals affected with ATIC-related conditions. An algorithm developed to predict the effect of missense changes on protein structure and function (PolyPhen-2) suggests that this variant is likely to be disruptive. In summary, the available evidence is currently insufficient to determine the role of this variant in disease. Therefore, it has been classified as a Variant of Uncertain Significance.